The following is an entry in ClinVar:

NM_001111125.3(IQSEC2):c.3284_3310del (p.Leu1095_Arg1103del)

Gene: IQSEC2 (IQ motif and Sec7 domain ArfGEF 2; minus strand). Cytogenetic location: Xp11.22.
Variant type: Deletion.
Coding change: c.3284_3310del on transcript NM_001111125.3 (MANE Select); coding-DNA positions 3284 to 3310, 27 bases deleted (TGGAGAAGCAGAAAGGTATGATGCGGC).
Protein change: p.Leu1095_Arg1103del.
Molecular consequence: inframe deletion.
Genome position (GRCh38, 1-based): chrX:53,236,463-53,236,489, GCCGCATCATACCTTTCTGCTTCTCCA deleted on the plus strand (TGGAGAAGCAGAAAGGTATGATGCGGC on the coding strand, the reverse complement: IQSEC2 is on the minus strand); deleting any 27 consecutive bases within chrX:53,236,463-53,236,491 gives the same sequence; the c. name uses the placement nearest the transcript's 3' end. VCF-style (leftmost placement, unchanged base first): chrX-53236462-GGCCGCATCATACCTTTCTGCTTCTCCA-G. GRCh37 (hg19) VCF-style: chrX-53265644-GGCCGCATCATACCTTTCTGCTTCTCCA-G.
Other names: c.2669_2695del, p.Leu890_Arg898del (NM_015075.2).
Identifiers: ClinVar variation 1285421 (VCV001285421.1), dbSNP rs2147015547, ClinGen allele CA2499226781.

ClinVar aggregate classification (germline): Likely pathogenic (1 of 4 stars; one submission).

Conditions:
Intellectual developmental disorder, X-linked 1. Also called: Atkin Flaitz Patil Smith syndrome; MENTAL RETARDATION, X-LINKED 18; MENTAL RETARDATION, X-LINKED 78; Intellectual disability, X-linked 1. Identifiers: Orphanet 777, MedGen C2931498, MONDO:0010656, OMIM 309530.

Submission:

Institute of Human Genetics, University of Leipzig Medical Center
Classification: Likely pathogenic for Intellectual developmental disorder, X-linked 1. Last evaluated: 2020-10-22. Review status: criteria provided, single submitter. Criteria: ACMG Guidelines, 2015. Collection method: clinical testing. Allele origin: de novo. Affected: yes.
Comment: This variant was identified as de novo (maternity and paternity confirmed).